The following is an entry in ClinVar:

NM_001111125.3(IQSEC2):c.806A>G (p.Tyr269Cys)

Gene: IQSEC2 (IQ motif and Sec7 domain ArfGEF 2; minus strand). Cytogenetic location: Xp11.22.
Variant type: single nucleotide variant.
Coding change: c.806A>G on transcript NM_001111125.3 (MANE Select); coding-DNA position 806, A replaced by G.
Protein change: p.Tyr269Cys; replaces tyrosine 269 with cysteine.
Molecular consequence: missense variant.
Genome position (GRCh38, 1-based): chrX:53,255,993, T>C on the plus strand (A>G on the coding strand, the complement: IQSEC2 is on the minus strand). VCF-style: chrX-53255993-T-C. GRCh37 (hg19) VCF-style: chrX-53285175-T-C.
Other names: c.806A>G, p.Tyr269Cys (NM_001410736.1); c.191A>G, p.Tyr64Cys (NM_015075.2); short protein forms Y269C, Y64C.
Identifiers: ClinVar variation 3774706 (VCV003774706.1).

ClinVar aggregate classification (germline): Uncertain significance (1 of 4 stars; one submission).

Submission:

GeneDx
Classification: Uncertain significance. Last evaluated: 2024-09-27. Review status: criteria provided, single submitter. Criteria: GeneDx Variant Classification Process June 2021. Collection method: clinical testing. Allele origin: germline. Affected: yes.
Comment: Not observed at significant frequency in large population cohorts (gnomAD); In silico analysis supports that this missense variant has a deleterious effect on protein structure/function; Has not been previously published as pathogenic or benign to our knowledge